The following is an entry in ClinVar:

NM_006440.5(TXNRD2):c.575C>T (p.Pro192Leu)

Gene: TXNRD2 (thioredoxin reductase 2; minus strand). Cytogenetic location: 22q11.21.
Variant type: single nucleotide variant.
Coding change: c.575C>T on transcript NM_006440.5 (MANE Select); coding-DNA position 575, C replaced by T.
Protein change: p.Pro192Leu; replaces proline 192 with leucine.
Molecular consequence: missense variant. On other transcripts: non-coding transcript variant (1).
Genome position (GRCh38, 1-based): chr22:19,915,230, G>A on the plus strand (C>T on the coding strand, the complement: TXNRD2 is on the minus strand). VCF-style: chr22-19915230-G-A. GRCh37 (hg19) VCF-style: chr22-19902753-G-A.
Other names: c.575C>T, p.Pro192Leu (NM_001282512.3); c.572C>T, p.Pro191Leu (NM_001352300.2); c.485C>T, p.Pro162Leu (NM_001352301.2); c.287C>T, p.Pro96Leu (NM_001352302.2); c.479C>T, p.Pro160Leu (NM_001352303.2); c.575C>T (NM_006440.3); short protein forms P160L, P192L, P191L, P96L, P162L.
Identifiers: ClinVar variation 1365306 (VCV001365306.8), dbSNP rs747572047, ClinGen allele CA10104126.

ClinVar aggregate classification (germline): Uncertain significance. Review status: criteria provided, multiple submitters, no conflicts (2 of 4 stars). 3 submissions from 3 submitters: Uncertain significance (3). Last evaluated 2025-09-10.

Conditions:
Glucocorticoid deficiency 5. Identifiers: MedGen C4540522, MONDO:0040502, OMIM 617825.
Cardiovascular phenotype. Identifiers: MedGen CN230736.
Primary dilated cardiomyopathy (DCM). Also called: Dilated Cardiomyopathy. Identifiers: Orphanet 217604, MedGen C0007193, MeSH D002311, MONDO:0005021, HP:0001644. Inheritance: Various modes of inheritance.

Allele frequency attached by ClinVar (database versions not stated): gnomAD exomes below 0.00001 and 0.00001; ExAC 0.00001; gnomAD 0.00001; TOPMed 0.00001.
gnomAD v4.1: 8 of 1,613,774 alleles (0.0005%); highest among the groups gnomAD compares: Middle Eastern, 0.049%; no homozygotes.

Submissions (3):

Genomic Medicine Center of Excellence, King Faisal Specialist Hospital and Research Centre
Classification: Uncertain significance for Glucocorticoid deficiency 5. Last evaluated: 2025-09-10. Review status: criteria provided, single submitter. Criteria: ACMG Guidelines, 2015. Collection method: clinical testing. Allele origin: germline.

Ambry Genetics
Classification: Uncertain significance for Cardiovascular phenotype. Last evaluated: 2025-06-28. Review status: criteria provided, single submitter. Criteria: Ambry Variant Classification Scheme 2023. Collection method: clinical testing. Allele origin: germline.
Comment: The p.P192L variant (also known as c.575C>T), located in coding exon 7 of the TXNRD2 gene, results from a C to T substitution at nucleotide position 575. The proline at codon 192 is replaced by leucine, an amino acid with similar properties. This amino acid position is conserved. In addition, this alteration is predicted to be deleterious by in silico analysis. Based on the available evidence, the clinical significance of this variant remains unclear.

Labcorp Genetics (formerly Invitae), Labcorp
Classification: Uncertain significance for Primary dilated cardiomyopathy. Last evaluated: 2021-03-07. Review status: criteria provided, single submitter. Criteria: Invitae Variant Classification Sherloc (09022015). Collection method: clinical testing. Allele origin: germline.
Comment: This variant is present in population databases (rs747572047, ExAC 0.007%). In summary, the available evidence is currently insufficient to determine the role of this variant in disease. Therefore, it has been classified as a Variant of Uncertain Significance. Algorithms developed to predict the effect of missense changes on protein structure and function (SIFT, PolyPhen-2, Align-GVGD) all suggest that this variant is likely to be disruptive, but these predictions have not been confirmed by published functional studies and their clinical significance is uncertain. This variant has not been reported in the literature in individuals with TXNRD2-related conditions. This sequence change replaces proline with leucine at codon 192 of the TXNRD2 protein (p.Pro192Leu). The proline residue is highly conserved and there is a moderate physicochemical difference between proline and leucine.